The following is an entry in ClinVar:

NM_016729.3(FOLR1):c.573A>T (p.Glu191Asp)

Genes: FOLR1-AS1 (FOLR1 antisense RNA 1; minus strand), FOLR1 (folate receptor alpha; plus strand). Cytogenetic location: 11q13.4.
Variant type: single nucleotide variant.
Coding change: c.573A>T on transcript NM_016729.3 (MANE Select); coding-DNA position 573, A replaced by T.
Protein change: p.Glu191Asp; replaces glutamic acid 191 with aspartic acid.
Molecular consequence: missense variant.
Genome position (GRCh38, 1-based): chr11:72,195,976, A>T. VCF-style: chr11-72195976-A-T. GRCh37 (hg19) VCF-style: chr11-71907020-A-T.
Other names: c.573A>T, p.Glu191Asp (NM_000802.3, NM_016724.3, NM_016725.3); short protein forms E191D.
Identifiers: ClinVar variation 1045335 (VCV001045335.4), dbSNP rs200414084, ClinGen allele CA6169231.

ClinVar aggregate classification (germline): Uncertain significance (1 of 4 stars; one submission).

Conditions:
Cerebral folate transport deficiency. Also called: NEURODEGENERATION DUE TO CEREBRAL FOLATE TRANSPORT DEFICIENCY; Neurodegenerative syndrome due to cerebral folate transport deficiency; Cerebral folate deficiency syndrome; FOLR1-Related Cerebral Folate Transport Deficiency; FOLATE RECEPTOR DEFICIENCY. Identifiers: Orphanet 217382, MedGen C2751584, MONDO:0013110, OMIM 613068. Disease mechanism: loss of function.

Allele frequency attached by ClinVar (database versions not stated): gnomAD 0.00001; gnomAD exomes 0.00001; ExAC 0.00002; TOPMed 0.00002.
gnomAD v4.1: 18 of 1,614,042 alleles (0.0011%); highest among the groups gnomAD compares: African/African-American, 0.0027%; no homozygotes.

Submission:

Labcorp Genetics (formerly Invitae), Labcorp
Classification: Uncertain significance for Cerebral folate transport deficiency. Last evaluated: 2021-09-16. Review status: criteria provided, single submitter. Criteria: Invitae Variant Classification Sherloc (09022015). Collection method: clinical testing. Allele origin: germline.
Comment: This sequence change replaces glutamic acid with aspartic acid at codon 191 of the FOLR1 protein (p.Glu191Asp). The glutamic acid residue is moderately conserved and there is a small physicochemical difference between glutamic acid and aspartic acid. This variant is present in population databases (rs200414084, ExAC 0.003%). This variant has not been reported in the literature in individuals affected with FOLR1-related conditions. Algorithms developed to predict the effect of missense changes on protein structure and function (SIFT, PolyPhen-2, Align-GVGD) all suggest that this variant is likely to be tolerated. In summary, the available evidence is currently insufficient to determine the role of this variant in disease. Therefore, it has been classified as a Variant of Uncertain Significance.